The following is an entry in ClinVar:

ClinVar aggregate classification (germline): Uncertain significance (1 of 4 stars; one submission).

gnomAD v4.1: 1 of 1,613,912 alleles (0.000062%); highest among the groups gnomAD compares: Non-Finnish European, 0.000085%; no homozygotes.

Submission:

Labcorp Genetics (formerly Invitae), Labcorp
Classification: Uncertain significance. Last evaluated: 2025-10-22. Review status: criteria provided, single submitter. Criteria: Invitae Variant Classification Sherloc (09022015). Collection method: clinical testing. Allele origin: germline.
Comment: This sequence change replaces leucine, which is neutral and non-polar, with arginine, which is basic and polar, at codon 444 of the LIPG protein (p.Leu444Arg). This variant is present in population databases (no rsID available, gnomAD 0.0008%). This variant has not been reported in the literature in individuals affected with LIPG-related conditions. An algorithm developed to predict the effect of missense changes on protein structure and function (PolyPhen-2) suggests that this variant is likely to be disruptive. In summary, the available evidence is currently insufficient to determine the role of this variant in disease. Therefore, it has been classified as a Variant of Uncertain Significance.

NM_006033.4(LIPG):c.1331T>G (p.Leu444Arg)

Gene: LIPG (lipase G, endothelial type; plus strand). Cytogenetic location: 18q21.1.
Variant type: single nucleotide variant.
Coding change: c.1331T>G on transcript NM_006033.4 (MANE Select); coding-DNA position 1331, T replaced by G.
Protein change: p.Leu444Arg; replaces leucine 444 with arginine.
Molecular consequence: missense variant.
Genome position (GRCh38, 1-based): chr18:49,583,729, T>G. VCF-style: chr18-49583729-T-G. GRCh37 (hg19) VCF-style: chr18-47110099-T-G.
Other names: c.1109T>G, p.Leu370Arg (NM_001308006.2); short protein forms L444R, L370R.
Identifiers: ClinVar variation 4749643 (VCV004749643.1).